The following is an entry in ClinVar:

ClinVar aggregate classification (germline): Uncertain significance (1 of 4 stars; one submission).

gnomAD v4.1: 7 of 1,613,858 alleles (0.00043%); highest among the groups gnomAD compares: Non-Finnish European, 0.00059%; no homozygotes.

Submission:

Women's Health and Genetics/Laboratory Corporation of America, LabCorp
Classification: Uncertain significance. Last evaluated: 2026-04-28. Review status: criteria provided, single submitter. Criteria: LabCorp Variant Classification Summary - May 2015. Collection method: clinical testing. Allele origin: germline.
Comment: Variant summary: VWF c.3931C>A (p.Gln1311Lys) results in a conservative amino acid change in the encoded protein sequence. Algorithms developed to predict the effect of missense changes on protein structure and function are either unavailable or do not agree on the potential impact of this missense change. The variant allele was found at a frequency of 4e-06 in 250944 control chromosomes. The available data on variant occurrences in the general population are insufficient to allow any conclusion about variant significance. To our knowledge, no occurrence of c.3931C>A in individuals affected with VWF-related conditions and no experimental evidence demonstrating its impact on protein function have been reported. No submitters have cited clinical-significance assessments for this variant to ClinVar. Based on the evidence outlined above, the variant was classified as uncertain significance.

NM_000552.5(VWF):c.3931C>A (p.Gln1311Lys)

Gene: VWF (von Willebrand factor; minus strand). Cytogenetic location: 12p13.31.
Variant type: single nucleotide variant.
Coding change: c.3931C>A on transcript NM_000552.5 (MANE Select); coding-DNA position 3931, C replaced by A.
Protein change: p.Gln1311Lys; replaces glutamine 1311 with lysine.
Molecular consequence: missense variant.
Genome position (GRCh38, 1-based): chr12:6,019,487, G>T on the plus strand (C>A on the coding strand, the complement: VWF is on the minus strand). VCF-style: chr12-6019487-G-T. GRCh37 (hg19) VCF-style: chr12-6128653-G-T.
Other names: short protein forms Q1311K.
Identifiers: ClinVar variation 4848645 (VCV004848645.1).